The following is an entry in ClinVar:

NM_000051.4(ATM):c.8068T>G (p.Phe2690Val)

Genes: ATM (ATM serine/threonine kinase; plus strand), C11orf65 (chromosome 11 open reading frame 65; minus strand). Cytogenetic location: 11q22.3.
Variant type: single nucleotide variant.
Coding change: c.8068T>G on transcript NM_000051.4 (MANE Select); coding-DNA position 8068, T replaced by G.
Protein change: p.Phe2690Val; replaces phenylalanine 2690 with valine.
Molecular consequence: missense variant. On other transcripts: intron variant (2).
Genome position (GRCh38, 1-based): chr11:108,335,026, T>G. VCF-style: chr11-108335026-T-G. GRCh37 (hg19) VCF-style: chr11-108205753-T-G.
Other names: c.8068T>G, p.Phe2690Val (NM_001351834.2); c.641-25955A>C (NM_001330368.2); c.*38+194A>C (NM_001351110.2); short protein forms F2690V.
Identifiers: ClinVar variation 1044594 (VCV001044594.9), dbSNP rs2086677473, ClinGen allele CA382561991.
Genomic context (GRCh38, chr11:108,335,026, plus strand): 5'-TAGGTGGACCACACAGGAGAATATGGAAATCTGGTGACTATACAGTCATTTAAAGCAGAA[T>G]TTCGCTTAGCAGGAGGTGTAAATTTACCAAAAATAATAGATTGTGTAGGTTCCGATGGCA-3'
Protein context (NP_000042.3, residues 2680-2700): LVTIQSFKAE[Phe2690Val]RLAGGVNLPK

ClinVar aggregate classification (germline): Uncertain significance. Review status: criteria provided, multiple submitters, no conflicts (2 of 4 stars). 3 submissions from 3 submitters: Uncertain significance (3). Last evaluated 2026-02-11.

Conditions:
Hereditary cancer-predisposing syndrome. Also called: Neoplastic Syndromes, Hereditary; Tumor predisposition; Hereditary Cancer Syndrome; Hereditary neoplastic syndrome. Identifiers: Orphanet 140162, MedGen C0027672, MeSH D009386, MONDO:0015356.
Familial cancer of breast. Also called: Hereditary breast cancer; hereditary breast carcinoma; BREAST CANCER, FAMILIAL. Identifiers: Orphanet 227535, MedGen C0346153, MONDO:0016419, OMIM 114480. Disease mechanism: loss of function.
Ataxia-telangiectasia syndrome (AT). Also called: Ataxia telangiectasia (A-T); ATAXIA-TELANGIECTASIA, COMPLEMENTATION GROUP A; ATAXIA-TELANGIECTASIA, FRESNO VARIANT; Ataxia-telangiectasia; Ataxia-telangiectasia, complementation group E; LOUIS-BAR SYNDROME. Identifiers: Orphanet 100, MedGen C0004135, MONDO:0008840, OMIM 208900.

Allele frequency attached by ClinVar (database versions not stated): gnomAD exomes below 0.00001.
gnomAD v4.1: 1 of 1,614,050 alleles (0.000062%); highest among the groups gnomAD compares: Non-Finnish European, 0.000085%; no homozygotes.

Submissions (3):

Ambry Genetics
Classification: Uncertain significance for Hereditary cancer-predisposing syndrome. Last evaluated: 2026-02-11. Review status: criteria provided, single submitter. Criteria: Ambry Variant Classification Scheme 2023. Collection method: clinical testing. Allele origin: germline.
Comment: The p.F2690V variant (also known as c.8068T>G), located in coding exon 54 of the ATM gene, results from a T to G substitution at nucleotide position 8068. The phenylalanine at codon 2690 is replaced by valine, an amino acid with highly similar properties. In an assay testing ATM function, this variant showed a functionally normal result (Lee KS et al. Cell, 2025 Sep;188:5081-5099.e27). This amino acid position is well conserved in available vertebrate species. In addition, this alteration is predicted to be deleterious by in silico analysis. Based on the available evidence, the clinical significance of this variant remains unclear.

Labcorp Genetics (formerly Invitae), Labcorp
Classification: Uncertain significance for Ataxia-telangiectasia syndrome. Last evaluated: 2024-11-16. Review status: criteria provided, single submitter. Criteria: Invitae Variant Classification Sherloc (09022015). Collection method: clinical testing. Allele origin: germline.
Comment: This sequence change replaces phenylalanine, which is neutral and non-polar, with valine, which is neutral and non-polar, at codon 2690 of the ATM protein (p.Phe2690Val). This variant is not present in population databases (gnomAD no frequency). This variant has not been reported in the literature in individuals affected with ATM-related conditions. ClinVar contains an entry for this variant (Variation ID: 1044594). Invitae Evidence Modeling of protein sequence and biophysical properties (such as structural, functional, and spatial information, amino acid conservation, physicochemical variation, residue mobility, and thermodynamic stability) has been performed for this missense variant. However, the output from this modeling did not meet the statistical confidence thresholds required to predict the impact of this variant on ATM protein function. In summary, the available evidence is currently insufficient to determine the role of this variant in disease. Therefore, it has been classified as a Variant of Uncertain Significance.

Baylor Genetics
Classification: Uncertain significance for Familial cancer of breast. Last evaluated: 2024-01-22. Review status: criteria provided, single submitter. Criteria: ACMG Guidelines, 2015. Collection method: clinical testing. Allele origin: unknown.

Literature cited by the submitters: PubMed 40580951 (cited by Ambry Genetics).